The following is an entry in ClinVar:

NM_000059.4(BRCA2):c.8331+2609G>A

Gene: BRCA2 (BRCA2 DNA repair associated; plus strand). Cytogenetic location: 13q13.1.
Variant type: single nucleotide variant.
Coding change: c.8331+2609G>A on transcript NM_000059.4 (MANE Select); 2609 bases into the intron after coding-DNA position 8331, G replaced by A.
Molecular consequence: intron variant.
Genome position (GRCh38, 1-based): chr13:32,366,142, G>A. VCF-style: chr13-32366142-G-A. GRCh37 (hg19) VCF-style: chr13-32940279-G-A.
Other names: IVS 18+2609G>A.
Identifiers: ClinVar variation 209789 (VCV000209789.1), dbSNP rs113088803, ClinGen allele CA276757.
Genomic context (GRCh38, chr13:32,366,142, plus strand): 5'-AATACAAAAAAAGCAATTCCTAAAAATTTAGAAAGTCAAATGAAAGCAAAGAACTTAAGT[G>A]TGTTTTCAATTAGAGCATAATCATACCAAGAAAGTATTTCAAGTAACTTAAAAAATGTTT-3'

ClinVar aggregate classification (germline): Benign (3 of 4 stars; one submission).

Conditions:
Breast-ovarian cancer, familial, susceptibility to, 2 (BROVCA2). Also called: BRCA2 Hereditary Breast and Ovarian Cancer. Identifiers: Orphanet 145, MedGen C2675520, MONDO:0012933, OMIM 612555. Disease mechanism: loss of function.

Allele frequency attached by ClinVar (database versions not stated): 1000 Genomes Project 30x 0.00703; 1000 Genomes Project 0.00719; gnomAD 0.00749 and 0.00793; TOPMed 0.00805.
gnomAD v4.1: 1,128 of 152,248 alleles (0.74%); highest among the groups gnomAD compares: African/African-American, 2.5%; 12 homozygotes.

Submission:

Evidence-based Network for the Interpretation of Germline Mutant Alleles (ENIGMA)
Classification: Benign for Breast-ovarian cancer, familial 2. Last evaluated: 2015-01-12. Review status: reviewed by expert panel. Criteria: ENIGMA BRCA1/2 Classification Criteria (2015). Collection method: curation. Allele origin: germline.
Comment: Class 1 not pathogenic based on frequency >1% in an outbred sampleset. Frequency 0.04675 (African), derived from 1000 genomes (2012-04-30).